The following is an entry in ClinVar:

NM_000487.6(ARSA):c.466G>C (p.Gly156Arg)

Gene: ARSA (arylsulfatase A; minus strand). Cytogenetic location: 22q13.33.
Variant type: single nucleotide variant.
Coding change: c.466G>C on transcript NM_000487.6 (MANE Select); coding-DNA position 466, G replaced by C.
Protein change: p.Gly156Arg; replaces glycine 156 with arginine.
Molecular consequence: missense variant.
Genome position (GRCh38, 1-based): chr22:50,627,052, C>G on the plus strand (G>C on the coding strand, the complement: ARSA is on the minus strand). VCF-style: chr22-50627052-C-G. GRCh37 (hg19) VCF-style: chr22-51065480-C-G.
Other names: c.466G>C, p.Gly156Arg (NM_001085425.3, NM_001085426.3, NM_001085427.3); c.208G>C, p.Gly70Arg (NM_001085428.3, NM_001362782.2); short protein forms G156R, G70R.
Identifiers: ClinVar variation 2637602 (VCV002637602.2), dbSNP rs2082684364, ClinGen allele CA412178222.

ClinVar aggregate classification (germline): Conflicting classifications of pathogenicity. Review status: criteria provided, conflicting classifications (1 of 4 stars). 2 submissions from 2 submitters: Likely pathogenic (1); Uncertain significance (1). Last evaluated 2025-10-30.

Conditions:
Metachromatic leukodystrophy (MLD). Also called: ARSA DEFICIENCY; CEREBROSIDE SULFATASE DEFICIENCY; METACHROMATIC LEUKOENCEPHALOPATHY; SULFATIDE LIPIDOSIS; Cerebral sclerosis diffuse metachromatic form; Arylsulfatase A Deficiency. Identifiers: Orphanet 512, MedGen C0023522, MONDO:0018868, OMIM 250100.

Submissions (2):

3billion
Classification: Likely pathogenic for Metachromatic leukodystrophy. Last evaluated: 2025-10-30. Review status: criteria provided, single submitter. Criteria: ACMG Guidelines, 2015. Collection method: clinical testing. Allele origin: germline. Affected: yes.
Comment: The variant is not observed in the gnomAD v4.1.0 dataset. Predicted Consequence/Location: Missense variant In silico tool predictions suggest damaging effect of the variant on gene or gene product [REVEL: 0.80 (>=0.6, sensitivity 0.68 and specificity 0.92); 3Cnet: 0.99 (> 0.75, sensitivity 0.96 and precision 0.92)]. The same nucleotide change resulting in the same amino acid change has been previously reported to be associated with ARSA-related disorder (PMID: 30057904).The variant has been reported to be in trans with a pathogenic variant as either compound heterozygous or homozygous in at least one similarly affected unrelated individual (PMID: 30057904). A different missense change at the same codon (p.Gly156Asp) has been reported as pathogenic/likely pathogenic with strong evidence (ClinVar ID: VCV000003066 /PMID: 7981715). Therefore, this variant is classified as Likely pathogenic according to the recommendation of ACMG/AMP guideline.

Women's Health and Genetics/Laboratory Corporation of America, LabCorp
Classification: Uncertain significance. Last evaluated: 2023-10-05. Review status: criteria provided, single submitter. Criteria: LabCorp Variant Classification Summary - May 2015. Collection method: clinical testing. Allele origin: germline.
Comment: Variant summary: ARSA c.466G>C (p.Gly156Arg) results in a non-conservative amino acid change in the encoded protein sequence. Three of four in-silico tools predict a damaging effect of the variant on protein function. Several computational tools predict a significant impact on normal splicing: One predict the variant no significant impact on splicing. One predict the variant abolishes a 3' acceptor site. One predict the variant weakens a 3' acceptor site. However, these predictions have yet to be confirmed by functional studies. The variant was absent in 230784 control chromosomes. The available data on variant occurrences in the general population are insufficient to allow any conclusion about variant significance. c.466G>C has been reported in the literature in individuals affected with Metachromatic Leukodystrophy. This report does not provide unequivocal conclusions about association of the variant with Metachromatic Leukodystrophy. To our knowledge, no experimental evidence demonstrating an impact on protein function has been reported. The following publication have been ascertained in the context of this evaluation (PMID: 30057904). No submitters have cited clinical-significance assessments for this variant to ClinVar after 2014. Based on the evidence outlined above, the variant was classified as uncertain significance.

Literature cited by the submitters: PubMed 30057904 (cited by 3billion and Women's Health and Genetics/Laboratory Corporation of America, LabCorp); PubMed 7981715 (cited by 3billion).